The following is an entry in ClinVar:

NM_000548.5(TSC2):c.3329C>T (p.Ala1110Val)

Gene: TSC2 (TSC complex subunit 2; plus strand). Cytogenetic location: 16p13.3.
Variant type: single nucleotide variant.
Coding change: c.3329C>T on transcript NM_000548.5 (MANE Select); coding-DNA position 3329, C replaced by T.
Protein change: p.Ala1110Val; replaces alanine 1110 with valine.
Molecular consequence: missense variant. On other transcripts: non-coding transcript variant (5).
Genome position (GRCh38, 1-based): chr16:2,079,601, C>T. VCF-style: chr16-2079601-C-T. GRCh37 (hg19) VCF-style: chr16-2129602-C-T.
Other names: c.3326C>T, p.Ala1109Val (NM_001406664.1, NM_001406663.1); c.3197C>T, p.Ala1066Val (NM_001406665.1, NM_001077183.3, NM_001370404.1); c.3290C>T, p.Ala1097Val (NM_001406667.1); c.3287C>T, p.Ala1096Val (NM_001406668.1); c.3218C>T, p.Ala1073Val (NM_001406670.1); c.3188C>T, p.Ala1063Val (NM_001406671.1); c.3185C>T, p.Ala1062Val (NM_001406673.1); c.3182C>T, p.Ala1061Val (NM_001406675.1); and 18 more; short protein forms A1029V, A1060V, A1062V, A1066V, A1077V, A1096V, A1097V, A1110V.
Identifiers: ClinVar variation 2817261 (VCV002817261.3), dbSNP rs1060500923, ClinGen allele CA394286603.

ClinVar aggregate classification (germline): Uncertain significance (1 of 4 stars; one submission).

Conditions:
Tuberous sclerosis 2 (TSC2). Identifiers: Orphanet 805, MedGen C1860707, MONDO:0013199, OMIM 613254.

gnomAD v4.1: 2 of 1,611,538 alleles (0.00012%); highest among the groups gnomAD compares: Non-Finnish European, 0.000085%; no homozygotes.

Submission:

Labcorp Genetics (formerly Invitae), Labcorp
Classification: Uncertain significance for Tuberous sclerosis 2. Last evaluated: 2022-11-29. Review status: criteria provided, single submitter. Criteria: Invitae Variant Classification Sherloc (09022015). Collection method: clinical testing. Allele origin: germline.
Comment: This sequence change replaces alanine, which is neutral and non-polar, with valine, which is neutral and non-polar, at codon 1110 of the TSC2 protein (p.Ala1110Val). This variant is not present in population databases (gnomAD no frequency). This variant has not been reported in the literature in individuals affected with TSC2-related conditions. Advanced modeling of protein sequence and biophysical properties (such as structural, functional, and spatial information, amino acid conservation, physicochemical variation, residue mobility, and thermodynamic stability) performed at Invitae indicates that this missense variant is not expected to disrupt TSC2 protein function. In summary, the available evidence is currently insufficient to determine the role of this variant in disease. Therefore, it has been classified as a Variant of Uncertain Significance.